The following is an entry in ClinVar:

NM_001242896.3(DEPDC5):c.2764G>A (p.Asp922Asn)

Gene: DEPDC5 (DEP domain containing 5, GATOR1 subcomplex subunit; plus strand). Cytogenetic location: 22q12.3.
Variant type: single nucleotide variant.
Coding change: c.2764G>A on transcript NM_001242896.3 (MANE Select); coding-DNA position 2764, G replaced by A.
Protein change: p.Asp922Asn; replaces aspartic acid 922 with asparagine.
Molecular consequence: missense variant. On other transcripts: non-coding transcript variant (5).
Genome position (GRCh38, 1-based): chr22:31,843,775, G>A. VCF-style: chr22-31843775-G-A. GRCh37 (hg19) VCF-style: chr22-32239761-G-A.
Other names: c.2737G>A, p.Asp913Asn (NM_001136029.4, NM_001369903.1, NM_014662.6); c.2530G>A, p.Asp844Asn (NM_001242897.2, NM_001363854.2, NM_001364319.2); c.2764G>A, p.Asp922Asn (NM_001363852.2, NM_001364318.2, NM_001364320.2); c.2680G>A, p.Asp894Asn (NM_001369901.1, NM_001369902.1); short protein forms D913N, D922N, D844N, D894N.
Identifiers: ClinVar variation 1795727 (VCV001795727.2), dbSNP rs2520122809, ClinGen allele CA411290135.

ClinVar aggregate classification (germline): Uncertain significance (1 of 4 stars; one submission).

Conditions:
Inborn genetic diseases. Identifiers: MedGen C0950123, MeSH D030342.

Submission:

Ambry Genetics
Classification: Uncertain significance for Inborn genetic diseases. Last evaluated: 2019-11-13. Review status: criteria provided, single submitter. Criteria: Ambry Variant Classification Scheme 2023. Collection method: clinical testing. Allele origin: germline.
Comment: The p.D922N variant (also known as c.2764G>A), located in coding exon 28 of the DEPDC5 gene, results from a G to A substitution at nucleotide position 2764. The aspartic acid at codon 922 is replaced by asparagine, an amino acid with highly similar properties. This amino acid position is highly conserved in available vertebrate species. In addition, the in silico prediction for this alteration is inconclusive. Since supporting evidence is limited at this time, the clinical significance of this alteration remains unclear.